The following is an entry in ClinVar:

ClinVar aggregate classification (germline): Likely benign (1 of 4 stars; one submission).

Allele frequency attached by ClinVar (database versions not stated): gnomAD 0.00006; TOPMed 0.00006; ExAC 0.00003; gnomAD exomes 0.00004.
gnomAD v4.1: 34 of 780,684 alleles (0.0044%); highest among the groups gnomAD compares: South Asian, 0.011%; no homozygotes.

Submission:

CeGaT Center for Human Genetics Tuebingen
Classification: Likely benign. Last evaluated: 2022-12-01. Review status: criteria provided, single submitter. Criteria: CeGaT Center For Human Genetics Tuebingen Variant Classification Criteria Version 2. Collection method: clinical testing. Allele origin: germline. Affected: yes. Observed: 1 variant allele.
Comment: MRC1: BP4, BP7

NM_002438.4(MRC1):c.1110C>T (p.Ala370=)

Gene: MRC1 (mannose receptor C-type 1; plus strand). Cytogenetic location: 10p12.33.
Variant type: single nucleotide variant.
Coding change: c.1110C>T on transcript NM_002438.4 (MANE Select); coding-DNA position 1110, C replaced by T.
Protein change: p.Ala370=; no amino-acid change (alanine 370 retained).
Molecular consequence: synonymous variant.
Genome position (GRCh38, 1-based): chr10:17,849,625, C>T. VCF-style: chr10-17849625-C-T. GRCh37 (hg19) VCF-style: chr10-18138554-C-T.
Identifiers: ClinVar variation 2640337 (VCV002640337.24), dbSNP rs782295458, ClinGen allele CA5428165.